The following is an entry in ClinVar:

ClinVar aggregate classification (germline): Uncertain significance. Review status: criteria provided, multiple submitters, no conflicts (2 of 4 stars). 4 submissions from 4 submitters: Uncertain significance (3). 1 of the submissions does not count toward it. Last evaluated 2022-11-02.

Conditions:
Retinitis pigmentosa 71 (RP71). Identifiers: Orphanet 791, MedGen C4225342, MONDO:0014618, OMIM 616394.
Short-rib thoracic dysplasia 10 with or without polydactyly (SRTD10). Identifiers: Orphanet 474, MedGen C3810175, MONDO:0014284, OMIM 615630.
IFT172-related disorder. Also called: IFT172-related condition; IFT172-related disorders.

Allele frequency attached by ClinVar (database versions not stated): gnomAD 0.00001; gnomAD exomes 0.00001; ExAC 0.00002.
gnomAD v4.1: 26 of 1,614,054 alleles (0.0016%); highest among the groups gnomAD compares: Non-Finnish European, 0.0019%; no homozygotes.

Submissions (4):

Blueprint Genetics
Classification: Uncertain significance. Last evaluated: 2022-11-02. Review status: criteria provided, single submitter. Criteria: ACMG Guidelines, 2015. Collection method: clinical testing. Allele origin: germline.

Labcorp Genetics (formerly Invitae), Labcorp
Classification: Uncertain significance for Retinitis pigmentosa 71; Short-rib thoracic dysplasia 10 with or without polydactyly. Last evaluated: 2022-07-21. Review status: criteria provided, single submitter. Criteria: Invitae Variant Classification Sherloc (09022015). Collection method: clinical testing. Allele origin: germline.
Comment: In summary, the available evidence is currently insufficient to determine the role of this variant in disease. Therefore, it has been classified as a Variant of Uncertain Significance. Algorithms developed to predict the effect of missense changes on protein structure and function output the following: SIFT: "Tolerated"; PolyPhen-2: "Benign"; Align-GVGD: "Class C0". The isoleucine amino acid residue is found in multiple mammalian species, which suggests that this missense change does not adversely affect protein function. ClinVar contains an entry for this variant (Variation ID: 1306301). This variant has not been reported in the literature in individuals affected with IFT172-related conditions. This variant is present in population databases (rs755670491, gnomAD 0.01%). This sequence change replaces valine, which is neutral and non-polar, with isoleucine, which is neutral and non-polar, at codon 1335 of the IFT172 protein (p.Val1335Ile).

GeneDx
Classification: Uncertain significance. Last evaluated: 2019-06-03. Review status: criteria provided, single submitter. Criteria: GeneDx Variant Classification Process June 2021. Collection method: clinical testing. Allele origin: germline. Affected: yes.
Comment: Has not been previously published as pathogenic or benign to our knowledge; In silico analysis, which includes protein predictors and evolutionary conservation, supports that this variant does not alter protein structure/function

PreventionGenetics, part of Exact Sciences
Classification: Uncertain significance for IFT172-related condition. Last evaluated: 2023-12-05. Review status: no assertion criteria provided. Collection method: clinical testing. Allele origin: germline. Not counted in ClinVar's aggregate classification.
Comment: The IFT172 c.4003G>A variant is predicted to result in the amino acid substitution p.Val1335Ile. To our knowledge, this variant has not been reported in the literature. This variant is reported in 0.0096% of alleles in individuals of Ashkenazi Jewish descent in gnomAD. At this time, the clinical significance of this variant is uncertain due to the absence of conclusive functional and genetic evidence.

NM_015662.3(IFT172):c.4003G>A (p.Val1335Ile)

Gene: IFT172 (intraflagellar transport 172; minus strand). Cytogenetic location: 2p23.3.
Variant type: single nucleotide variant.
Coding change: c.4003G>A on transcript NM_015662.3 (MANE Select); coding-DNA position 4003, G replaced by A.
Protein change: p.Val1335Ile; replaces valine 1335 with isoleucine.
Molecular consequence: missense variant.
Genome position (GRCh38, 1-based): chr2:27,450,045, C>T on the plus strand (G>A on the coding strand, the complement: IFT172 is on the minus strand). VCF-style: chr2-27450045-C-T. GRCh37 (hg19) VCF-style: chr2-27672912-C-T.
Other names: short protein forms V1335I.
Identifiers: ClinVar variation 1306301 (VCV001306301.8), dbSNP rs755670491, ClinGen allele CA1579763.